The following is an entry in ClinVar:

NM_002617.4(PEX10):c.301G>A (p.Val101Ile)

Gene: PEX10 (peroxisomal biogenesis factor 10; minus strand). Cytogenetic location: 1p36.32.
Variant type: single nucleotide variant.
Coding change: c.301G>A on transcript NM_002617.4 (MANE Select); coding-DNA position 301, G replaced by A.
Protein change: p.Val101Ile; replaces valine 101 with isoleucine.
Molecular consequence: missense variant. On other transcripts: 5 prime UTR variant (2), non-coding transcript variant (1).
Genome position (GRCh38, 1-based): chr1:2,408,751, C>T on the plus strand (G>A on the coding strand, the complement: PEX10 is on the minus strand). VCF-style: chr1-2408751-C-T. GRCh37 (hg19) VCF-style: chr1-2340190-C-T.
Other names: c.301G>A, p.Val101Ile (NM_001374425.1, NM_153818.2); c.-132G>A (NM_001374426.1, NM_001374427.1); short protein forms V101I.
Identifiers: ClinVar variation 2072821 (VCV002072821.1), dbSNP rs560099788, ClinGen allele CA538216.

ClinVar aggregate classification (germline): Uncertain significance (1 of 4 stars; one submission).

Conditions:
Peroxisome biogenesis disorder, complementation group 7 (CG7). Also called: Peroxisome biogenesis disorder, complementation group B. Identifiers: MedGen C1864399.

Allele frequency attached by ClinVar (database versions not stated): ExAC 0.00003; gnomAD 0.00003; gnomAD exomes 0.00004; TOPMed 0.00004; 1000 Genomes Project 30x 0.00016; 1000 Genomes Project 0.00020.
gnomAD v4.1: 63 of 1,613,924 alleles (0.0039%); highest among the groups gnomAD compares: African/African-American, 0.0067%; no homozygotes.

Submission:

Labcorp Genetics (formerly Invitae), Labcorp
Classification: Uncertain significance for Peroxisome biogenesis disorder, complementation group 7. Last evaluated: 2022-07-26. Review status: criteria provided, single submitter. Criteria: Invitae Variant Classification Sherloc (09022015). Collection method: clinical testing. Allele origin: germline.
Comment: This sequence change replaces valine, which is neutral and non-polar, with isoleucine, which is neutral and non-polar, at codon 101 of the PEX10 protein (p.Val101Ile). This variant is present in population databases (rs560099788, gnomAD 0.02%). This variant has not been reported in the literature in individuals affected with PEX10-related conditions. Algorithms developed to predict the effect of missense changes on protein structure and function output the following: SIFT: "Tolerated"; PolyPhen-2: "Benign"; Align-GVGD: "Class C0". The isoleucine amino acid residue is found in multiple mammalian species, which suggests that this missense change does not adversely affect protein function. In summary, the available evidence is currently insufficient to determine the role of this variant in disease. Therefore, it has been classified as a Variant of Uncertain Significance.